The following is an entry in ClinVar:

NM_001267550.2(TTN):c.95549A>G (p.Lys31850Arg)

Genes: TTN (titin; minus strand), TTN-AS1 (TTN antisense RNA 1; plus strand). Cytogenetic location: 2q31.2.
Variant type: single nucleotide variant.
Coding change: c.95549A>G on transcript NM_001267550.2 (MANE Select); coding-DNA position 95549, A replaced by G.
Protein change: p.Lys31850Arg; replaces lysine 31850 with arginine.
Molecular consequence: missense variant.
Genome position (GRCh38, 1-based): chr2:178,545,561, T>C on the plus strand (A>G on the coding strand, the complement: TTN is on the minus strand). VCF-style: chr2-178545561-T-C. GRCh37 (hg19) VCF-style: chr2-179410288-T-C.
Other names: c.90626A>G, p.Lys30209Arg (NM_001256850.1); c.68354A>G, p.Lys22785Arg (NM_003319.4); c.87845A>G, p.Lys29282Arg (NM_133378.4); c.68729A>G, p.Lys22910Arg (NM_133432.3); c.68930A>G, p.Lys22977Arg (NM_133437.4); short protein forms K22910R, K29282R, K22785R, K31850R, K22977R, K30209R.
Identifiers: ClinVar variation 1755702 (VCV001755702.2), dbSNP rs2469013114, ClinGen allele CA349460441.
Genomic context (GRCh38, chr2:178,545,561, plus strand): 5'-ACCTTCAGCCTGGTATCATACACCACATAGTCTTTGTTGACACGTGTCCAGCGCAGGCTC[T>C]TCTTCTCACGTTTGTCTACTAGGTAGTTGCTGATTTCATTGCCACCATCAGATTCAGGTT-3'
Protein context (NP_001254479.2, residues 31840-31860): SNYLVDKREK[Lys31850Arg]SLRWTRVNKD

ClinVar aggregate classification (germline): Uncertain significance (1 of 4 stars; one submission).

Conditions:
Cardiovascular phenotype. Identifiers: MedGen CN230736.

Submission:

Ambry Genetics
Classification: Uncertain significance for Cardiovascular phenotype. Last evaluated: 2018-11-27. Review status: criteria provided, single submitter. Criteria: Ambry Variant Classification Scheme 2023. Collection method: clinical testing. Allele origin: germline.
Comment: The p.K22785R variant (also known as c.68354A>G), located in coding exon 171 of the TTN gene, results from an A to G substitution at nucleotide position 68354. The lysine at codon 22785 is replaced by arginine, an amino acid with highly similar properties. This amino acid position is highly conserved in available vertebrate species; however, arginine is the reference amino acid in other vertebrate species. In addition, this alteration is predicted to be tolerated by in silico analysis. Since supporting evidence is limited at this time, the clinical significance of this alteration remains unclear.